The following is an entry in ClinVar:

NM_001199161.2(USP19):c.556C>T (p.His186Tyr)

Gene: USP19 (ubiquitin specific peptidase 19; minus strand). Cytogenetic location: 3p21.31.
Variant type: single nucleotide variant.
Coding change: c.556C>T on transcript NM_001199161.2 (MANE Select); coding-DNA position 556, C replaced by T.
Protein change: p.His186Tyr; replaces histidine 186 with tyrosine.
Molecular consequence: missense variant.
Genome position (GRCh38, 1-based): chr3:49,117,487, G>A on the plus strand (C>T on the coding strand, the complement: USP19 is on the minus strand). VCF-style: chr3-49117487-G-A. GRCh37 (hg19) VCF-style: chr3-49154920-G-A.
Other names: c.556C>T, p.His186Tyr (NM_001199160.2, NM_001199162.2, NM_001351099.2 and 22 more transcripts); c.511C>T, p.His171Tyr (NM_001351098.2, NM_001351102.2, NM_001351107.2 and 11 more transcripts); short protein forms H171Y, H186Y.
Identifiers: ClinVar variation 2429012 (VCV002429012.4), dbSNP rs1197485175, ClinGen allele CA352757181.
Genomic context (GRCh38, chr3:49,117,487, plus strand): 5'-TAGAACTCACCAGGAGGGAGGGCCACGTGAGCATAGGCACCTTTTTGGGCAGTGTCAGGT[G>A]CAGGAGACTGCCCTTGCGGGTTTGCACTTTAGCACAAGAGCTTTTTATCTCAGCATAGAA-3'
Protein context (NP_001186090.1, residues 176-196): KVQTRKGSLL[His186Tyr]LTLPKKVPML

ClinVar aggregate classification (germline): Uncertain significance (1 of 4 stars; one submission).

Submission:

Greenwood Genetic Center Diagnostic Laboratories, Greenwood Genetic Center
Classification: Uncertain significance. Last evaluated: 2022-11-30. Review status: criteria provided, single submitter. Criteria: ACMG Guidelines, 2015. Collection method: clinical testing. Allele origin: germline. Affected: yes.
Comment: Gene of Uncertain Significance